The following is an entry in ClinVar:

NM_000059.4(BRCA2):c.2491G>A (p.Val831Ile)

Gene: BRCA2 (BRCA2 DNA repair associated; plus strand). Cytogenetic location: 13q13.1.
Variant type: single nucleotide variant.
Coding change: c.2491G>A on transcript NM_000059.4 (MANE Select); coding-DNA position 2491, G replaced by A.
Protein change: p.Val831Ile; replaces valine 831 with isoleucine.
Molecular consequence: missense variant.
Genome position (GRCh38, 1-based): chr13:32,336,846, G>A. VCF-style: chr13-32336846-G-A. GRCh37 (hg19) VCF-style: chr13-32910983-G-A.
Other names: short protein forms V831I.
Identifiers: ClinVar variation 37788 (VCV000037788.33), dbSNP rs397507287, ClinGen allele CA015472.

ClinVar aggregate classification (germline): Conflicting classifications of pathogenicity. Review status: criteria provided, conflicting classifications (1 of 4 stars). 15 submissions from 15 submitters: Uncertain significance (8); Benign (1); Likely benign (3). 3 of the submissions do not count toward it. Last evaluated 2026-01-26.

Conditions:
Hereditary cancer-predisposing syndrome. Also called: Tumor predisposition; Neoplastic Syndromes, Hereditary; Hereditary neoplastic syndrome; Hereditary Cancer Syndrome. Identifiers: Orphanet 140162, MedGen C0027672, MeSH D009386, MONDO:0015356.
Hereditary breast ovarian cancer syndrome. Also called: Hereditary breast and ovarian cancer; Hereditary breast and ovarian cancer syndrome (HBOC); Hereditary breast and/or ovarian cancer syndrome; Breast and ovarian cancer; Hereditary breast and ovarian cancer syndrome; BRCA1- and BRCA2-Associated Hereditary Breast and Ovarian Cancer. Identifiers: Orphanet 145, MedGen C0677776, MeSH D061325, MONDO:0003582. Disease mechanism: loss of function.
Breast-ovarian cancer, familial, susceptibility to, 2 (BROVCA2). Also called: BRCA2 Hereditary Breast and Ovarian Cancer. Identifiers: Orphanet 145, MedGen C2675520, MONDO:0012933, OMIM 612555. Disease mechanism: loss of function.

Allele frequency attached by ClinVar (database versions not stated): gnomAD exomes below 0.00001; gnomAD 0.00001; TOPMed 0.00001.
gnomAD v4.1: 6 of 1,605,304 alleles (0.00037%); highest among the groups gnomAD compares: African/African-American, 0.0054%; no homozygotes.

Submissions (15):

Labcorp Genetics (formerly Invitae), Labcorp
Classification: Uncertain significance for Hereditary breast ovarian cancer syndrome. Last evaluated: 2026-01-26. Review status: criteria provided, single submitter. Criteria: Invitae Variant Classification Sherloc (09022015). Collection method: clinical testing. Allele origin: germline.
Comment: This sequence change replaces valine, which is neutral and non-polar, with isoleucine, which is neutral and non-polar, at codon 831 of the BRCA2 protein (p.Val831Ile). This variant is present in population databases (rs397507287, gnomAD 0.004%). This missense change has been observed in individual(s) with breast cancer and prostate cancer (PMID: 11802209, 21952622, 35264596). ClinVar contains an entry for this variant (Variation ID: 37788). Invitae Evidence Modeling of protein sequence and biophysical properties (such as structural, functional, and spatial information, amino acid conservation, physicochemical variation, residue mobility, and thermodynamic stability) indicates that this missense variant is not expected to disrupt BRCA2 protein function with a negative predictive value of 95%. In summary, the available evidence is currently insufficient to determine the role of this variant in disease. Therefore, it has been classified as a Variant of Uncertain Significance.

Women's Health and Genetics/Laboratory Corporation of America, LabCorp
Classification: Uncertain significance. Last evaluated: 2025-07-25. Review status: criteria provided, single submitter. Criteria: LabCorp Variant Classification Summary - May 2015. Collection method: clinical testing. Allele origin: germline.
Comment: Variant summary: BRCA2 c.2491G>A (p.Val831Ile) results in a conservative amino acid change in the encoded protein sequence. Algorithms developed to predict the effect of missense changes on protein structure and function all suggest that this variant is likely to be tolerated. The variant allele was found at a frequency of 4.1e-06 in 242542 control chromosomes. The available data on variant occurrences in the general population are insufficient to allow any conclusion about variant significance.c.2491G>A has been reported in the literature in individuals affected with breast and/or ovarian cancer, prostate cancer and colon cancer (Meindl_2002, Kote-Jarai_2011, Deihimi_2017, Guindalini_2022). These report(s) do not provide unequivocal conclusions about association of the variant with Hereditary Breast And Ovarian Cancer Syndrome. To our knowledge, no experimental evidence demonstrating an impact on protein function has been reported. The following publications have been ascertained in the context of this evaluation (PMID: 28591715, 21952622, 11802209, 35264596). ClinVar contains an entry for this variant (Variation ID: 37788). Based on the evidence outlined above, the variant was classified as uncertain significance.

Ambry Genetics
Classification: Benign for Hereditary cancer-predisposing syndrome. Last evaluated: 2025-07-18. Review status: criteria provided, single submitter. Criteria: Ambry Variant Classification Scheme 2023. Collection method: clinical testing. Allele origin: germline.

Color Diagnostics, LLC DBA Color Health
Classification: Uncertain significance for Hereditary cancer-predisposing syndrome. Last evaluated: 2025-03-10. Review status: criteria provided, single submitter. Criteria: ACMG Guidelines, 2015. Collection method: clinical testing. Allele origin: germline.
Comment: This missense variant replaces valine with isoleucine at codon 831 of the BRCA2 protein. Computational prediction suggests that this variant may not impact protein structure and function. To our knowledge, functional studies have not been reported for this variant. This variant has been reported breast cancer case-control studies in 3/53461 unaffected individuals and absent in 60466 cases (PMID: 33471991; Leiden Open Variation Database DB-ID BRCA2_007952) and 1/1663 cases (PMID: 35264596). This variant also has been reported in a suspected hereditary breast and ovarian cancer family (PMID: 11802209) and an individual affected with prostate cancer (PMID: 21952622). Multifactorial analyses have reported likelihood ratios (LR) for pathogenicity reaching a combined LR of 1.367 from personal and family history of one carrier and LR from co-occurrence with a pathogenic variant (PMID: 31131967, 31853058). This variant has been identified in 2/273536 chromosomes in the general population by the Genome Aggregation Database (gnomAD). The available evidence is insufficient to determine the role of this variant in disease conclusively. Therefore, this variant is classified as a Variant of Uncertain Significance.

Center for Genomic Medicine, Rigshospitalet, Copenhagen University Hospital
Classification: Likely benign. Last evaluated: 2025-03-04. Review status: criteria provided, single submitter. Criteria: ACMG Guidelines, 2015. Collection method: clinical testing. Allele origin: germline.

Quest Diagnostics Nichols Institute San Juan Capistrano
Classification: Uncertain significance. Last evaluated: 2025-02-14. Review status: criteria provided, single submitter. Criteria: Quest Diagnostics criteria. Collection method: clinical testing. Allele origin: unknown.
Comment: The BRCA2 c.2491G>A (p.Val831Ile) variant has been reported in the published literature in individuals with prostate cancer (PMID: 21952622 (2011)) and breast cancer (PMID: 35264596 (2022)). This variant has also been identified in reportedly healthy individuals (PMID: 36243179 (2022), 33471991 (2021), see also LOVD). In addition, this variant has been reported to be located in a region of the BRCA2 domain that is tolerant to missense sequence changes (PMID: 31911673 (2020)). The frequency of this variant in the general population (Genome Aggregation Database) is uninformative in the assessment of its pathogenicity. Analysis of this variant using bioinformatics tools for the prediction of the effect of amino acid changes on protein structure and function yielded predictions that this variant is benign. Based on the available information, we are unable to determine the clinical significance of this variant.

Molecular Pathology, Peter Maccallum Cancer Centre
Classification: Likely benign for Breast-ovarian cancer, familial, susceptibility to, 2. Last evaluated: 2024-02-06. Review status: criteria provided, single submitter. Criteria: ACMG Guidelines, 2015. Collection method: clinical testing. Allele origin: germline. Inheritance: Autosomal dominant inheritance.

All of Us Research Program, National Institutes of Health
Classification: Uncertain significance for Breast-ovarian cancer, familial, susceptibility to, 2. Last evaluated: 2023-08-15. Review status: criteria provided, single submitter. Criteria: ACMG Guidelines, 2015. Collection method: clinical testing. Allele origin: germline. Inheritance: Autosomal dominant inheritance. Observed: 1 variant allele, 1 heterozygote.
Comment: This missense variant replaces valine with isoleucine at codon 831 of the BRCA2 protein. Computational prediction suggests that this variant may not impact protein structure and function (internally defined REVEL score threshold <= 0.5, PMID: 27666373). To our knowledge, functional studies have not been reported for this variant. This variant has been reported in an individual affected with prostate cancer (PMID: 21952622), an individual with a personal or family history of breast cancer (PMID: 11802209), and three unaffected individuals (PMID: 33471991). This variant has been identified in 2/273536 chromosomes in the general population by the Genome Aggregation Database (gnomAD). The available evidence is insufficient to determine the role of this variant in disease conclusively. Therefore, this variant is classified as a Variant of Uncertain Significance.

This study involves interpretation of variants in research participants for the purpose of population health screening. Participant phenotype was not available at the time of variant classification. Additional details can be found in publication PMID: 35346344, PMCID: PMC8962531

University of Washington Department of Laboratory Medicine, University of Washington
Classification: Likely benign for Hereditary cancer-predisposing syndrome. Last evaluated: 2023-03-23. Review status: criteria provided, single submitter. Criteria: Dines et al. (Genet Med. 2020). Collection method: curation. Allele origin: germline.
Comment: Missense variant in a coldspot region where missense variants are very unlikely to be pathogenic (PMID:31911673).

BRCA2 exon 11 coldspot. Reclassification based on statistical prior probability.

Institute for Biomarker Research, Medical Diagnostic Laboratories, L.L.C.
Classification: Uncertain significance for Hereditary breast ovarian cancer syndrome. Last evaluated: 2022-09-27. Review status: criteria provided, single submitter. Criteria: ACMG Guidelines, 2015. Collection method: clinical testing. Allele origin: germline.

GeneDx
Classification: Uncertain significance. Last evaluated: 2021-05-25. Review status: criteria provided, single submitter. Criteria: GeneDx Variant Classification Process June 2021. Collection method: clinical testing. Allele origin: germline. Affected: yes.
Comment: Not observed at significant frequency in large population cohorts (Lek 2016); In silico analysis supports that this missense variant does not alter protein structure/function; Observed in individuals with breast, ovarian, and prostate cancer (Meindl 2002, Kote-Jarai 2011, Yoon 2021); Also known as 2719G>A; This variant is associated with the following publications: (PMID: 24755471, 24265153, 21952622, 11802209, 28591715, 33526602)

Mendelics
Classification: Uncertain significance for Breast-ovarian cancer, familial, susceptibility to, 2. Last evaluated: 2019-05-28. Review status: criteria provided, single submitter. Criteria: Mendelics Assertion Criteria 2017. Collection method: clinical testing. Allele origin: unknown.

Counsyl
Classification: Uncertain significance for Breast-ovarian cancer, familial, susceptibility to, 2. Last evaluated: 2016-02-02. Review status: no assertion criteria provided. Collection method: clinical testing. Allele origin: unknown. Not counted in ClinVar's aggregate classification.

Sharing Clinical Reports Project (SCRP)
Classification: Uncertain significance for Breast-ovarian cancer, familial 2. Last evaluated: 2009-08-24. Review status: no assertion criteria provided. Collection method: clinical testing. Allele origin: germline. Not counted in ClinVar's aggregate classification.

Breast Cancer Information Core (BIC) (BRCA2)
Classification: Uncertain significance for Breast-ovarian cancer, familial 2. Last evaluated: 1999-12-30. Review status: no assertion criteria provided. Collection method: clinical testing. Allele origin: germline. Affected: yes. Observed: 1 variant allele. Not counted in ClinVar's aggregate classification.

Literature cited by the submitters: PubMed 11802209 (cited by 7 submitters); PubMed 21952622 (cited by 7 submitters); PubMed 35264596 (cited by 5 submitters); PubMed 28591715 (cited by Women's Health and Genetics/Laboratory Corporation of America, LabCorp); PubMed 31131967 (cited by Color Diagnostics, LLC DBA Color Health); PubMed 31853058 (cited by Color Diagnostics, LLC DBA Color Health); PubMed 33471991 (cited by 3 submitters); PubMed 36243179 (cited by Quest Diagnostics Nichols Institute San Juan Capistrano); PubMed 31911673 (cited by Quest Diagnostics Nichols Institute San Juan Capistrano).